The following is an entry in ClinVar:

ClinVar aggregate classification (germline): Uncertain significance (1 of 4 stars; one submission).

Conditions:
Inborn genetic diseases. Identifiers: MedGen C0950123, MeSH D030342.

gnomAD v4.1: 1 of 1,599,042 alleles (0.000063%); highest among the groups gnomAD compares: Non-Finnish European, 0.000085%; no homozygotes.

Submission:

Ambry Genetics
Classification: Uncertain significance for Inborn genetic diseases. Last evaluated: 2025-08-02. Review status: criteria provided, single submitter. Criteria: Ambry Variant Classification Scheme 2023. Collection method: clinical testing. Allele origin: germline.
Comment: The p.I167K variant (also known as c.500T>A), located in coding exon 3 of the MECOM gene, results from a T to A substitution at nucleotide position 500. The isoleucine at codon 167 is replaced by lysine, an amino acid with dissimilar properties. This amino acid position is conserved. In addition, the in silico prediction for this alteration is inconclusive. Based on the available evidence, the clinical significance of this variant remains unclear.

NM_004991.4(MECOM):c.500T>A (p.Ile167Lys)

Gene: MECOM (MDS1 and EVI1 complex locus; minus strand). Cytogenetic location: 3q26.2.
Variant type: single nucleotide variant.
Coding change: c.500T>A on transcript NM_004991.4 (MANE Select); coding-DNA position 500, T replaced by A.
Protein change: p.Ile167Lys; replaces isoleucine 167 with lysine.
Molecular consequence: missense variant. On other transcripts: 5 prime UTR variant (12).
Genome position (GRCh38, 1-based): chr3:169,143,708, A>T on the plus strand (T>A on the coding strand, the complement: MECOM is on the minus strand). VCF-style: chr3-169143708-A-T. GRCh37 (hg19) VCF-style: chr3-168861496-A-T.
Other names: c.-65T>A (NM_005241.4, NM_001105078.4, NM_001163999.2 and 9 more transcripts); c.128T>A, p.Ile43Lys (NM_001105077.4); c.500T>A, p.Ile167Lys (NM_001366466.2, NM_001366473.2); short protein forms I167K, I43K.
Identifiers: ClinVar variation 4105821 (VCV004105821.1).